The following is an entry in ClinVar:

NM_000384.3(APOB):c.3030G>C (p.Glu1010Asp)

Gene: APOB (apolipoprotein B; minus strand). Cytogenetic location: 2p24.1.
Variant type: single nucleotide variant.
Coding change: c.3030G>C on transcript NM_000384.3 (MANE Select); coding-DNA position 3030, G replaced by C.
Protein change: p.Glu1010Asp; replaces glutamic acid 1010 with aspartic acid.
Molecular consequence: missense variant.
Genome position (GRCh38, 1-based): chr2:21,019,083, C>G on the plus strand (G>C on the coding strand, the complement: APOB is on the minus strand). VCF-style: chr2-21019083-C-G. GRCh37 (hg19) VCF-style: chr2-21241955-C-G.
Other names: short protein forms E1010D.
Identifiers: ClinVar variation 3231395 (VCV003231395.1), dbSNP rs764325150, ClinGen allele CA057791.
Genomic context (GRCh38, chr2:21,019,083, plus strand): 5'-CACCAAGGCTCTGTCCTCTCTCTGGAGCTCATAGGTTGCGCTGACAGAATACTGCTCAAT[C>G]TCTCCTGTAGGCCTCAGTTCCAGCTCTAATCTAAAGACATTACAATGAAGACAGTGCATA-3'
Protein context (NP_000375.3, residues 1000-1020): RLELELRPTG[Glu1010Asp]IEQYSVSATY

ClinVar aggregate classification (germline): Uncertain significance (1 of 4 stars; one submission).

Conditions:
Cardiovascular phenotype. Identifiers: MedGen CN230736.

Allele frequency attached by ClinVar (database versions not stated): ExAC 0.00001.

Submission:

Ambry Genetics
Classification: Uncertain significance for Cardiovascular phenotype. Last evaluated: 2024-03-01. Review status: criteria provided, single submitter. Criteria: Ambry Variant Classification Scheme 2023. Collection method: clinical testing. Allele origin: germline.
Comment: The p.E1010D variant (also known as c.3030G>C), located in coding exon 20 of the APOB gene, results from a G to C substitution at nucleotide position 3030. The glutamic acid at codon 1010 is replaced by aspartic acid, an amino acid with highly similar properties. This amino acid position is conserved. In addition, this alteration is predicted to be tolerated by in silico analysis. Based on the available evidence, the clinical significance of this alteration remains unclear.